The following is an entry in ClinVar:

NM_001267550.2(TTN):c.100850T>C (p.Ile33617Thr)

Genes: TTN (titin; minus strand), TTN-AS1 (TTN antisense RNA 1; plus strand). Cytogenetic location: 2q31.2.
Variant type: single nucleotide variant.
Coding change: c.100850T>C on transcript NM_001267550.2 (MANE Select); coding-DNA position 100850, T replaced by C.
Protein change: p.Ile33617Thr; replaces isoleucine 33617 with threonine.
Molecular consequence: missense variant. On other transcripts: non-coding transcript variant (1).
Genome position (GRCh38, 1-based): chr2:178,535,765, A>G on the plus strand (T>C on the coding strand, the complement: TTN is on the minus strand). VCF-style: chr2-178535765-A-G. GRCh37 (hg19) VCF-style: chr2-179400492-A-G.
Other names: c.95927T>C, p.Ile31976Thr (NM_001256850.1); c.73655T>C, p.Ile24552Thr (NM_003319.4); c.93146T>C, p.Ile31049Thr (NM_133378.4); c.74030T>C, p.Ile24677Thr (NM_133432.3); c.74231T>C, p.Ile24744Thr (NM_133437.4); short protein forms I33617T, I24744T, I31976T, I24552T, I24677T, I31049T.
Identifiers: ClinVar variation 2040682 (VCV002040682.2), dbSNP rs1395817779, ClinGen allele CA349422738.

ClinVar aggregate classification (germline): Uncertain significance (1 of 4 stars; one submission).

Conditions:
Dilated cardiomyopathy 1G (CMD1G). Identifiers: Orphanet 154, MedGen C1858763, MONDO:0011400, OMIM 604145.
Autosomal recessive limb-girdle muscular dystrophy type 2J (LGMDR10). Also called: MUSCULAR DYSTROPHY, LIMB-GIRDLE, AUTOSOMAL RECESSIVE 10; Limb-girdle muscular dystrophy, type 2J. Identifiers: Orphanet 140922, MedGen C1837342, MONDO:0012127, OMIM 608807.

Allele frequency attached by ClinVar (database versions not stated): gnomAD exomes 0.00001.
gnomAD v4.1: 8 of 1,613,494 alleles (0.0005%); highest among the groups gnomAD compares: South Asian, 0.0055%; no homozygotes.

Submission:

Labcorp Genetics (formerly Invitae), Labcorp
Classification: Uncertain significance for Dilated cardiomyopathy 1G; Autosomal recessive limb-girdle muscular dystrophy type 2J. Last evaluated: 2022-04-09. Review status: criteria provided, single submitter. Criteria: Invitae Variant Classification Sherloc (09022015). Collection method: clinical testing. Allele origin: germline.
Comment: This sequence change replaces isoleucine, which is neutral and non-polar, with threonine, which is neutral and polar, at codon 33617 of the TTN protein (p.Ile33617Thr). This variant is present in population databases (no rsID available, gnomAD 0.006%). This variant has not been reported in the literature in individuals affected with TTN-related conditions. Experimental studies and prediction algorithms are not available or were not evaluated, and the functional significance of this variant is currently unknown. In summary, the available evidence is currently insufficient to determine the role of this variant in disease. Therefore, it has been classified as a Variant of Uncertain Significance. This variant is located in the M band of TTN (PMID: 25589632). Variants in this region may be relevant for neuromuscular disorders, but have not been definitively shown to cause cardiomyopathy (PMID: 23975875).

Literature cited by the submitters: PubMed 25589632; PubMed 23975875.